The following is an entry in ClinVar:

ClinVar aggregate classification (germline): Conflicting classifications of pathogenicity. Review status: criteria provided, conflicting classifications (1 of 4 stars). 7 submissions from 5 submitters: Uncertain significance (3); Likely benign (4). Last evaluated 2025-11-12.

Conditions:
Ehlers-Danlos syndrome, classic type, 1 (EDSCL1). Also called: Ehlers-Danlos Syndrome, Classic Type, COL5A1-Related; EDS I; Ehlers-Danlos syndrome, type 1; EHLERS-DANLOS SYNDROME, GRAVIS TYPE; EHLERS-DANLOS SYNDROME, SEVERE CLASSIC TYPE. Identifiers: MedGen C0268335, MONDO:0019567, OMIM 130000.
Ehlers-Danlos syndrome, classic type (cEDS). Identifiers: Orphanet 287, MedGen C4225429, MONDO:0007522.
Familial thoracic aortic aneurysm and aortic dissection (TAAD). Also called: Thoracic aortic aneurysms and dissections. Identifiers: Orphanet 91387, MedGen C4707243, MONDO:0019625.
Ehlers-Danlos syndrome, classic type, 2 (EDSCL2). Also called: Ehlers-Danlos Syndrome, Classic Type, COL5A2-Related; Ehlers-Danlos syndrome, type 2; Ehlers-Danlos syndrome type 2 (formerly). Identifiers: Orphanet 287, Orphanet 90318, MedGen C0268336, MONDO:0019568, OMIM 130010.

Allele frequency attached by ClinVar (database versions not stated): 1000 Genomes Project 30x 0.00016; TOPMed 0.00003; gnomAD 0.00001; gnomAD exomes 0.00013.
gnomAD v4.1: 23 of 1,552,582 alleles (0.0015%); highest among the groups gnomAD compares: Admixed American, 0.045%; no homozygotes.

Submissions (7):

Labcorp Genetics (formerly Invitae), Labcorp
Classification: Likely benign for Ehlers-Danlos syndrome, classic type, 1. Last evaluated: 2025-11-12. Review status: criteria provided, single submitter. Criteria: Invitae Variant Classification Sherloc (09022015). Collection method: clinical testing. Allele origin: germline.

Ambry Genetics
Classification: Likely benign for Familial thoracic aortic aneurysm and aortic dissection. Last evaluated: 2025-02-09. Review status: criteria provided, single submitter. Criteria: Ambry Variant Classification Scheme 2023. Collection method: clinical testing. Allele origin: germline.

ARUP Laboratories, Molecular Genetics and Genomics, ARUP Laboratories
Classification: Likely benign for Ehlers-Danlos syndrome, classic type, 2. Last evaluated: 2023-08-31. Review status: criteria provided, single submitter. Criteria: ARUP Molecular Germline Variant Investigation Process 2024. Collection method: clinical testing. Allele origin: germline.

Center for Genomics, Ann and Robert H. Lurie Children's Hospital of Chicago
Classification: Uncertain significance for Ehlers-Danlos syndrome, classic type, 2. Last evaluated: 2021-03-30. Review status: criteria provided, single submitter. Criteria: ACMG Guidelines, 2015. Collection method: clinical testing. Allele origin: germline.
Comment: COL5A2 NM_000393.4 exon 43 p.Gly990= (c.2970G>C): This variant has not been reported in the literature but is present in 18/24258 Latino alleles in the Genome Aggregation Database. Evolutionary conservation and computational predictive tools for this variant are limited or unavailable. Of note, this variant is a silent variant and does not change the amino acid, reducing the probability that this variant is disease causing. In summary, data on this variant is insufficient for disease classification. Therefore, the clinical significance of this variant is uncertain.

Center for Genomics, Ann and Robert H. Lurie Children's Hospital of Chicago
Classification: Uncertain significance for Ehlers-Danlos syndrome, classic type, 1. Last evaluated: 2021-02-16. Review status: criteria provided, single submitter. Criteria: ACMG Guidelines, 2015. Collection method: clinical testing. Allele origin: germline.
Comment: the same text as in the submission from Center for Genomics, Ann and Robert H. Lurie Children's Hospital of Chicago above.

GeneDx
Classification: Likely benign. Last evaluated: 2020-08-12. Review status: criteria provided, single submitter. Criteria: GeneDx Variant Classification Process June 2021. Collection method: clinical testing. Allele origin: germline. Affected: yes.

Center for Genomics, Ann and Robert H. Lurie Children's Hospital of Chicago
Classification: Uncertain significance for Ehlers-Danlos syndrome, classic type, 1. Last evaluated: 2018-03-27. Review status: criteria provided, single submitter. Criteria: ACMG Guidelines, 2015. Collection method: clinical testing. Allele origin: germline.
Comment: the same text as in the submission from Center for Genomics, Ann and Robert H. Lurie Children's Hospital of Chicago above.

NM_000393.5(COL5A2):c.2970G>C (p.Gly990=)

Gene: COL5A2 (collagen type V alpha 2 chain; minus strand). Cytogenetic location: 2q32.2.
Variant type: single nucleotide variant.
Coding change: c.2970G>C on transcript NM_000393.5 (MANE Select); coding-DNA position 2970, G replaced by C.
Protein change: p.Gly990=; no amino-acid change (glycine 990 retained).
Molecular consequence: synonymous variant.
Genome position (GRCh38, 1-based): chr2:189,050,638, C>G on the plus strand (G>C on the coding strand, the complement: COL5A2 is on the minus strand). VCF-style: chr2-189050638-C-G. GRCh37 (hg19) VCF-style: chr2-189915364-C-G.
Identifiers: ClinVar variation 625925 (VCV000625925.18), dbSNP rs933589600, ClinGen allele CA62595075.